The following is an entry in ClinVar:

NM_000304.4(PMP22):c.183G>A (p.Trp61Ter)

Gene: PMP22 (peripheral myelin protein 22; minus strand). Cytogenetic location: 17p12.
Variant type: single nucleotide variant.
Coding change: c.183G>A on transcript NM_000304.4 (MANE Select); coding-DNA position 183, G replaced by A.
Protein change: p.Trp61Ter; replaces tryptophan 61 with a stop codon.
Molecular consequence: nonsense. On other transcripts: non-coding transcript variant (2).
Genome position (GRCh38, 1-based): chr17:15,239,607, C>T on the plus strand (G>A on the coding strand, the complement: PMP22 is on the minus strand). VCF-style: chr17-15239607-C-T. GRCh37 (hg19) VCF-style: chr17-15142924-C-T.
Other names: c.183G>A, p.Trp61Ter (NM_001281455.2, NM_001281456.2, NM_001330143.2 and 2 more transcripts); short protein forms W61*.
Identifiers: ClinVar variation 637386 (VCV000637386.5), dbSNP rs1597608203, ClinGen allele CA398268441.

ClinVar aggregate classification (germline): Pathogenic. Review status: criteria provided, multiple submitters, no conflicts (2 of 4 stars). 3 submissions from 3 submitters: Pathogenic (2). 1 of the submissions does not count toward it. Last evaluated 2024-10-16.

Conditions:
PMP22-related disorder. Also called: PMP22-related condition; PMP22-related disorders.
Charcot-Marie-Tooth disease. Also called: Charcot-Marie-Tooth Neuropathy; Charcot-Marie-Tooth Hereditary Neuropathy. Identifiers: Orphanet 166, MedGen C0007959, MONDO:0015626.
Charcot-Marie-Tooth disease, type I (CMT1). Also called: Charcot-Marie-Tooth disease type 1; Charcot-Marie-Tooth, Type 1. Identifiers: Orphanet 65753, MedGen C0751036, MONDO:0019011.

Submissions (3):

3billion
Classification: Pathogenic for PMP22-related disorder. Last evaluated: 2024-10-16. Review status: criteria provided, single submitter. Criteria: ACMG Guidelines, 2015. Collection method: clinical testing. Allele origin: germline. Affected: yes.
Comment: The variant is not observed in the gnomAD v4.1.0 dataset. Predicted Consequence/Location: Stop-gained (nonsense): predicted to result in a loss or disruption of normal protein function through nonsense-mediated decay (NMD) or protein truncation. Multiple pathogenic variants are reported downstream of the variant. The variant has been reported to be associated with PMP22 related disorder (ClinVar ID: VCV000637386 /PMID: 9888385). Therefore, this variant is classified as Pathogenic according to the recommendation of ACMG/AMP guideline.

Labcorp Genetics (formerly Invitae), Labcorp
Classification: Pathogenic for Charcot-Marie-Tooth disease, type I. Last evaluated: 2023-06-02. Review status: criteria provided, single submitter. Criteria: Invitae Variant Classification Sherloc (09022015). Collection method: clinical testing. Allele origin: germline.
Comment: For these reasons, this variant has been classified as Pathogenic. ClinVar contains an entry for this variant (Variation ID: 637386). This premature translational stop signal has been observed in individual(s) with clinical features of Charcot-Marie-Tooth disease (PMID: 10093067, 27067623). This variant is not present in population databases (gnomAD no frequency). This sequence change creates a premature translational stop signal (p.Trp61*) in the PMP22 gene. It is expected to result in an absent or disrupted protein product. Loss-of-function variants in PMP22 are known to be pathogenic (PMID: 23224996).

Inherited Neuropathy Consortium
Classification: Uncertain significance for Charcot-Marie-Tooth disease. Review status: no assertion criteria provided. Collection method: literature only. Allele origin: germline. Affected: yes. Not counted in ClinVar's aggregate classification.

Literature cited by the submitters: PubMed 9888385 (cited by 3billion); PubMed 10093067 (cited by Labcorp Genetics (formerly Invitae), Labcorp and Inherited Neuropathy Consortium); PubMed 27067623 (cited by Labcorp Genetics (formerly Invitae), Labcorp); PubMed 23224996 (cited by Labcorp Genetics (formerly Invitae), Labcorp).